The following is an entry in ClinVar:

ClinVar aggregate classification (germline): Likely benign. Review status: criteria provided, single submitter (1 of 4 stars). 2 submissions from 2 submitters: Likely benign (1). 1 of the submissions does not count toward it. Last evaluated 2023-12-19.

Conditions:
TYMP-related disorder. Also called: TYMP-related condition.

gnomAD v4.1: 2 of 1,561,684 alleles (0.00013%); highest among the groups gnomAD compares: Non-Finnish European, 0.00017%; no homozygotes.

Submissions (2):

Labcorp Genetics (formerly Invitae), Labcorp
Classification: Likely benign. Last evaluated: 2023-12-19. Review status: criteria provided, single submitter. Criteria: Invitae Variant Classification Sherloc (09022015). Collection method: clinical testing. Allele origin: germline.

PreventionGenetics, part of Exact Sciences
Classification: Likely benign for TYMP-related condition. Last evaluated: 2019-12-30. Review status: no assertion criteria provided. Collection method: clinical testing. Allele origin: germline. Not counted in ClinVar's aggregate classification.
Comment: This variant is classified as likely benign based on ACMG/AMP sequence variant interpretation guidelines (Richards et al. 2015 PMID: 25741868, with internal and published modifications).

NM_001953.5(TYMP):c.1077C>A (p.Ala359=)

Genes: SCO2 (synthesis of cytochrome C oxidase 2; minus strand), TYMP (thymidine phosphorylase; minus strand), LOC130067862 (ATAC-STARR-seq lymphoblastoid silent region 13986; plus strand). Cytogenetic location: 22q13.33.
Variant type: single nucleotide variant.
Coding change: c.1077C>A on transcript NM_001953.5 (MANE Select); coding-DNA position 1077, C replaced by A.
Protein change: p.Ala359=; no amino-acid change (alanine 359 retained).
Molecular consequence: synonymous variant. On other transcripts: 5 prime UTR variant (1).
Genome position (GRCh38, 1-based): chr22:50,526,328, G>T on the plus strand (C>A on the coding strand, the complement: TYMP is on the minus strand). VCF-style: chr22-50526328-G-T. GRCh37 (hg19) VCF-style: chr22-50964757-G-T.
Other names: c.1077C>A, p.Ala359= (NM_001113755.3, NM_001113756.3, NM_001257988.1 and 1 more transcripts); c.-96C>A (NM_001169109.2).
Identifiers: ClinVar variation 2803242 (VCV002803242.4), dbSNP rs771137260, ClinGen allele CA325560723.